The following is an entry in ClinVar:

ClinVar aggregate classification (germline): Pathogenic. Review status: criteria provided, multiple submitters, no conflicts (2 of 4 stars). 2 submissions from 2 submitters: Pathogenic (2). Last evaluated 2015-10-02.

Conditions:
Breast-ovarian cancer, familial, susceptibility to, 1 (BROVCA1). Also called: BRCA1 Hereditary Breast and Ovarian Cancer; OVARIAN CANCER, SUSCEPTIBILITY TO. Identifiers: Orphanet 145, MedGen C2676676, MONDO:0011450, OMIM 604370. Disease mechanism: loss of function.

Submissions (2):

Consortium of Investigators of Modifiers of BRCA1/2 (CIMBA), c/o University of Cambridge
Classification: Pathogenic for Breast-ovarian cancer, familial, susceptibility to, 1. Last evaluated: 2015-10-02. Review status: criteria provided, single submitter. Criteria: CIMBA Mutation Classification guidelines May 2016. Collection method: clinical testing. Allele origin: germline.

Department of Medical Genetics, Oslo University Hospital
Classification: Pathogenic for Breast-ovarian cancer, familial, susceptibility to, 1. Last evaluated: 2015-07-01. Review status: criteria provided, single submitter. Criteria: ACMG Guidelines, 2015. Collection method: clinical testing. Allele origin: germline. Affected: yes. Observed: 1 variant allele.
Comment: Heterozygous deletion of exons 19-23 (also known as exons 20-24)

NG_005905.2:g.(154652_160848)_(172307_?)del

Gene: BRCA1 (BRCA1 DNA repair associated; minus strand). Cytogenetic location: 17q21.31.
Variant type: Deletion.
Identifiers: ClinVar variation 373868 (VCV000373868.3).